The following is an entry in ClinVar:

ClinVar aggregate classification (germline): Uncertain significance (1 of 4 stars; one submission).

Conditions:
Hereditary cancer-predisposing syndrome. Also called: Neoplastic Syndromes, Hereditary; Hereditary Cancer Syndrome; Tumor predisposition; Hereditary neoplastic syndrome. Identifiers: Orphanet 140162, MedGen C0027672, MeSH D009386, MONDO:0015356.

gnomAD v4.1: 1 of 1,614,046 alleles (0.000062%); highest among the groups gnomAD compares: Non-Finnish European, 0.000085%; no homozygotes.

Submission:

Ambry Genetics
Classification: Uncertain significance for Hereditary cancer-predisposing syndrome. Last evaluated: 2024-12-14. Review status: criteria provided, single submitter. Criteria: Ambry Variant Classification Scheme 2023. Collection method: clinical testing. Allele origin: germline.
Comment: The p.P955S variant (also known as c.2863C>T), located in coding exon 18 of the ATM gene, results from a C to T substitution at nucleotide position 2863. The proline at codon 955 is replaced by serine, an amino acid with similar properties. This amino acid position is conserved. In addition, this alteration is predicted to be tolerated by in silico analysis. Based on the available evidence, the clinical significance of this variant remains unclear.

NM_000051.4(ATM):c.2863C>T (p.Pro955Ser)

Gene: ATM (ATM serine/threonine kinase; plus strand). Cytogenetic location: 11q22.3.
Variant type: single nucleotide variant.
Coding change: c.2863C>T on transcript NM_000051.4 (MANE Select); coding-DNA position 2863, C replaced by T.
Protein change: p.Pro955Ser; replaces proline 955 with serine.
Molecular consequence: missense variant.
Genome position (GRCh38, 1-based): chr11:108,271,088, C>T. VCF-style: chr11-108271088-C-T. GRCh37 (hg19) VCF-style: chr11-108141815-C-T.
Other names: c.2863C>T, p.Pro955Ser (NM_001351834.2); short protein forms P955S.
Identifiers: ClinVar variation 3801294 (VCV003801294.1).